The following is an entry in ClinVar:

NM_020937.4(FANCM):c.4838C>G (p.Ser1613Cys)

Gene: FANCM (FA complementation group M; plus strand). Cytogenetic location: 14q21.2.
Variant type: single nucleotide variant.
Coding change: c.4838C>G on transcript NM_020937.4 (MANE Select); coding-DNA position 4838, C replaced by G.
Protein change: p.Ser1613Cys; replaces serine 1613 with cysteine.
Molecular consequence: missense variant.
Genome position (GRCh38, 1-based): chr14:45,188,860, C>G. VCF-style: chr14-45188860-C-G. GRCh37 (hg19) VCF-style: chr14-45658063-C-G.
Other names: c.4760C>G, p.Ser1587Cys (NM_001308133.2); short protein forms S1587C, S1613C.
Identifiers: ClinVar variation 4619479 (VCV004619479.1).

ClinVar aggregate classification (germline): Uncertain significance (1 of 4 stars; one submission).

Conditions:
Inborn genetic diseases. Identifiers: MedGen C0950123, MeSH D030342.

Submission:

Ambry Genetics
Classification: Uncertain significance for Inborn genetic diseases. Last evaluated: 2025-10-11. Review status: criteria provided, single submitter. Criteria: Ambry Variant Classification Scheme 2023. Collection method: clinical testing. Allele origin: germline.
Comment: The p.S1613C variant (also known as c.4838C>G), located in coding exon 20 of the FANCM gene, results from a C to G substitution at nucleotide position 4838. The serine at codon 1613 is replaced by cysteine, an amino acid with dissimilar properties. This amino acid position is conserved. In addition, this alteration is predicted to be tolerated by in silico analysis. Based on the available evidence, the clinical significance of this variant remains unclear.